The following is an entry in ClinVar:

ClinVar aggregate classification (germline): Uncertain significance (1 of 4 stars; one submission).

Conditions:
Hereditary cancer-predisposing syndrome. Also called: Neoplastic Syndromes, Hereditary; Tumor predisposition; Hereditary Cancer Syndrome; Hereditary neoplastic syndrome. Identifiers: Orphanet 140162, MedGen C0027672, MeSH D009386, MONDO:0015356.

gnomAD v4.1: 2 of 1,611,908 alleles (0.00012%); highest among the groups gnomAD compares: South Asian, 0.0011%; no homozygotes.

Submission:

Ambry Genetics
Classification: Uncertain significance for Hereditary cancer-predisposing syndrome. Last evaluated: 2025-11-26. Review status: criteria provided, single submitter. Criteria: Ambry Variant Classification Scheme 2023. Collection method: clinical testing. Allele origin: germline.
Comment: The p.E2184G variant (also known as c.6551A>G), located in coding exon 15 of the APC gene, results from an A to G substitution at nucleotide position 6551. The glutamic acid at codon 2184 is replaced by glycine, an amino acid with similar properties. This amino acid position is conserved. In addition, in silico predictors for this gene do not accurately predict pathogenicity. Based on the available evidence, the clinical significance of this variant remains unclear.

NM_000038.6(APC):c.6551A>G (p.Glu2184Gly)

Gene: APC (APC regulator of Wnt signaling pathway; plus strand). Cytogenetic location: 5q22.2.
Variant type: single nucleotide variant.
Coding change: c.6551A>G on transcript NM_000038.6 (MANE Select); coding-DNA position 6551, A replaced by G.
Protein change: p.Glu2184Gly; replaces glutamic acid 2184 with glycine.
Molecular consequence: missense variant. On other transcripts: non-coding transcript variant (2).
Genome position (GRCh38, 1-based): chr5:112,842,145, A>G. VCF-style: chr5-112842145-A-G. GRCh37 (hg19) VCF-style: chr5-112177842-A-G.
Other names: c.6551A>G, p.Glu2184Gly (NM_001127510.3, NM_001354895.2, NM_001407450.1); c.6497A>G, p.Glu2166Gly (NM_001127511.3); c.6605A>G, p.Glu2202Gly (NM_001354896.2, NM_001407447.1, NM_001407448.1 and 1 more transcripts); c.6581A>G, p.Glu2194Gly (NM_001354897.2); c.6476A>G, p.Glu2159Gly (NM_001354898.2); c.6467A>G, p.Glu2156Gly (NM_001354899.2); c.6428A>G, p.Glu2143Gly (NM_001354900.2); c.6374A>G, p.Glu2125Gly (NM_001354901.2, NM_001407453.1); and 11 more; short protein forms E2101G, E2174G, E1800G, E1901G, E2058G, E2093G, E2166G, E2194G.
Identifiers: ClinVar variation 4593323 (VCV004593323.1).